The following is an entry in ClinVar:

NM_022455.5(NSD1):c.4973T>G (p.Leu1658Trp)

Gene: NSD1 (nuclear receptor binding SET domain protein 1; plus strand). Cytogenetic location: 5q35.3.
Variant type: single nucleotide variant.
Coding change: c.4973T>G on transcript NM_022455.5 (MANE Select); coding-DNA position 4973, T replaced by G.
Protein change: p.Leu1658Trp; replaces leucine 1658 with tryptophan.
Molecular consequence: missense variant.
Genome position (GRCh38, 1-based): chr5:177,259,995, T>G. VCF-style: chr5-177259995-T-G. GRCh37 (hg19) VCF-style: chr5-176686996-T-G.
Other names: c.4100T>G, p.Leu1367Trp (NM_001365684.2, NM_001409308.1, NM_001409309.1 and 1 more transcripts); c.4973T>G, p.Leu1658Trp (NM_001409301.1, NM_001409302.1, NM_001409303.1); c.4553T>G, p.Leu1518Trp (NM_001409304.1); c.4220T>G, p.Leu1407Trp (NM_001409305.1); c.4211T>G, p.Leu1404Trp (NM_001409306.1, NM_001409307.1); short protein forms L1367W, L1404W, L1407W, L1518W, L1658W.
Identifiers: ClinVar variation 3342990 (VCV003342990.1).

ClinVar aggregate classification (germline): Uncertain significance (1 of 4 stars; one submission).

Submission:

GeneDx
Classification: Uncertain significance. Last evaluated: 2023-04-05. Review status: criteria provided, single submitter. Criteria: GeneDx Variant Classification Process June 2021. Collection method: clinical testing. Allele origin: germline. Affected: yes.
Comment: Not observed at significant frequency in large population cohorts (gnomAD); In silico analysis supports that this missense variant has a deleterious effect on protein structure/function; Has not been previously published as pathogenic or benign to our knowledge